The following is an entry in ClinVar:

ClinVar aggregate classification (germline): Likely benign. Review status: criteria provided, single submitter (1 of 4 stars). 2 submissions from 1 submitter: Likely benign (2). Last evaluated 2018-01-13.

Conditions:
Hypophosphatemic rickets, autosomal recessive, 2 (ARHR2). Identifiers: Orphanet 289176, MedGen C2750078, MONDO:0013219, OMIM 613312.
Arterial calcification, generalized, of infancy, 1 (GACI1). Also called: Idiopathic Infantile Arterial Calcification. Identifiers: Orphanet 51608, MedGen C4551985, MONDO:0008817, OMIM 208000.

Allele frequency attached by ClinVar (database versions not stated): 1000 Genomes Project 30x 0.00047; 1000 Genomes Project 0.00060; TOPMed 0.00100; gnomAD 0.00110 and 0.00116.

Submissions (2):

Illumina Laboratory Services, Illumina
Classification: Likely benign for Arterial calcification, generalized, of infancy, 1. Last evaluated: 2018-01-13. Review status: criteria provided, single submitter. Criteria: ICSL Variant Classification Criteria 13 December 2019. Collection method: clinical testing. Allele origin: germline.
Comment: This variant was observed in the ICSL laboratory as part of a predisposition screen in an ostensibly healthy population. It had not been previously curated by ICSL or reported in the Human Gene Mutation Database (HGMD: prior to June 1st, 2018), and was therefore a candidate for classification through an automated scoring system. Utilizing variant allele frequency, disease prevalence and penetrance estimates, and inheritance mode, an automated score was calculated to assess if this variant is too frequent to cause the disease. Based on the score and internal cut-off values, a variant classified as likely benign is not then subjected to further curation. The score for this variant resulted in a classification of likely benign for this disease.

Illumina Laboratory Services, Illumina
Classification: Likely benign for Hypophosphatemic rickets, autosomal recessive, 2. Last evaluated: 2018-01-13. Review status: criteria provided, single submitter. Criteria: ICSL Variant Classification Criteria 13 December 2019. Collection method: clinical testing. Allele origin: germline.
Comment: the same text as in the submission from Illumina Laboratory Services, Illumina above.

NM_006208.3(ENPP1):c.*4015G>A

Gene: ENPP1 (ectonucleotide pyrophosphatase/phosphodiesterase 1; plus strand). Cytogenetic location: 6q23.2.
Variant type: single nucleotide variant.
Coding change: c.*4015G>A on transcript NM_006208.3 (MANE Select); 4015 bases downstream of the stop codon, G replaced by A.
Molecular consequence: 3 prime UTR variant.
Genome position (GRCh38, 1-based): chr6:131,894,526, G>A. VCF-style: chr6-131894526-G-A. GRCh37 (hg19) VCF-style: chr6-132215666-G-A.
Identifiers: ClinVar variation 355428 (VCV000355428.5), dbSNP rs531152298, ClinGen allele CA10625984.
Genomic context (GRCh38, chr6:131,894,526, plus strand): 5'-ATGGGGTTTCACTGTGTTGCTCAGGCTGGTCTTGATCTCCTGAGCTCAGACAATCCCCCC[G>A]CCTTGGCCTCCCAAAGTGCTAGGATTATAGGCGAGAGCTGCTGTGTGCTTCTTAAGTGAG-3'